The following is an entry in ClinVar:

ClinVar aggregate classification (germline): Uncertain significance. Review status: criteria provided, multiple submitters, no conflicts (2 of 4 stars). 2 submissions from 2 submitters: Uncertain significance (2). Last evaluated 2025-05-22.

Conditions:
Inborn genetic diseases. Identifiers: MedGen C0950123, MeSH D030342.

gnomAD v4.1: 5 of 1,613,886 alleles (0.00031%); highest among the groups gnomAD compares: African/African-American, 0.0067%; no homozygotes.

Submissions (2):

Mayo Clinic Laboratories, Mayo Clinic
Classification: Uncertain significance. Last evaluated: 2025-05-22. Review status: criteria provided, single submitter. Criteria: ACMG Guidelines, 2015. Collection method: clinical testing. Allele origin: germline. Observed: 1 variant allele.
Comment: BP4_moderate

Ambry Genetics
Classification: Uncertain significance for Inborn genetic diseases. Last evaluated: 2024-11-17. Review status: criteria provided, single submitter. Criteria: Ambry Variant Classification Scheme 2023. Collection method: clinical testing. Allele origin: germline.
Comment: The p.E1000Q variant (also known as c.2998G>C), located in coding exon 24 of the ANKRD26 gene, results from a G to C substitution at nucleotide position 2998. The glutamic acid at codon 1000 is replaced by glutamine, an amino acid with highly similar properties. This amino acid position is conserved. In addition, this alteration is predicted to be tolerated by in silico analysis. Based on the available evidence, the clinical significance of this variant remains unclear.

NM_014915.3(ANKRD26):c.2998G>C (p.Glu1000Gln)

Gene: ANKRD26 (ankyrin repeat domain 26; minus strand). Cytogenetic location: 10p12.1.
Variant type: single nucleotide variant.
Coding change: c.2998G>C on transcript NM_014915.3 (MANE Select); coding-DNA position 2998, G replaced by C.
Protein change: p.Glu1000Gln; replaces glutamic acid 1000 with glutamine.
Molecular consequence: missense variant.
Genome position (GRCh38, 1-based): chr10:27,035,452, C>G on the plus strand (G>C on the coding strand, the complement: ANKRD26 is on the minus strand). VCF-style: chr10-27035452-C-G. GRCh37 (hg19) VCF-style: chr10-27324381-C-G.
Other names: p.Glu1000Gln; c.2995G>C, p.Glu999Gln (NM_001256053.2); short protein forms E999Q, E1000Q.
Identifiers: ClinVar variation 3396491 (VCV003396491.2).